The following is an entry in ClinVar:

ClinVar aggregate classification (germline): Uncertain significance (1 of 4 stars; one submission).

Submission:

Labcorp Genetics (formerly Invitae), Labcorp
Classification: Uncertain significance. Last evaluated: 2024-04-04. Review status: criteria provided, single submitter. Criteria: Invitae Variant Classification Sherloc (09022015). Collection method: clinical testing. Allele origin: germline.
Comment: This sequence change affects the initiator methionine of the HOXB13 mRNA. The next in-frame methionine is located at codon 43. This variant is not present in population databases (gnomAD no frequency). This variant has not been reported in the literature in individuals affected with HOXB13-related conditions. In summary, the available evidence is currently insufficient to determine the role of this variant in disease. Therefore, it has been classified as a Variant of Uncertain Significance.

NM_006361.6(HOXB13):c.1A>C (p.Met1Leu)

Gene: HOXB13 (homeobox B13; minus strand). Cytogenetic location: 17q21.32.
Variant type: single nucleotide variant.
Coding change: c.1A>C on transcript NM_006361.6 (MANE Select); coding-DNA position 1, A replaced by C.
Protein change: p.Met1Leu; changes the start codon (methionine 1).
Molecular consequence: missense variant, initiator codon variant.
Genome position (GRCh38, 1-based): chr17:48,728,593, T>G on the plus strand (A>C on the coding strand, the complement: HOXB13 is on the minus strand). VCF-style: chr17-48728593-T-G. GRCh37 (hg19) VCF-style: chr17-46805955-T-G.
Other names: short protein forms M1L.
Identifiers: ClinVar variation 2693363 (VCV002693363.3), dbSNP rs2509516291, ClinGen allele CA400110055.
Genomic context (GRCh38, chr17:48,728,593, plus strand): 5'-CTCCCAGCAAGCCTTCGATATCCTTGGCTCCATCCAAGGTGGCATAATTGCCGGGCTCCA[T>G]GGAGCCGAGGGTCGGCTCATGAGGTGCGGGGGCGGGGAATCTAGGGGGCACCCAGCTCGC-3'
Protein context (NP_006352.2, residues 1-11): [Met1Leu]EPGNYATLDG